The following is an entry in ClinVar:

NM_004738.5(VAPB):c.34C>T (p.Pro12Ser)

Gene: VAPB (VAMP associated protein B and C; plus strand). Cytogenetic location: 20q13.32.
Variant type: single nucleotide variant.
Coding change: c.34C>T on transcript NM_004738.5 (MANE Select); coding-DNA position 34, C replaced by T.
Protein change: p.Pro12Ser; replaces proline 12 with serine.
Molecular consequence: missense variant. On other transcripts: non-coding transcript variant (1).
Genome position (GRCh38, 1-based): chr20:58,389,493, C>T. VCF-style: chr20-58389493-C-T. GRCh37 (hg19) VCF-style: chr20-56964549-C-T.
Other names: c.34C>T, p.Pro12Ser (NM_001195677.2); short protein forms P12S.
Identifiers: ClinVar variation 850683 (VCV000850683.10), dbSNP rs1431840351, ClinGen allele CA409439970.

ClinVar aggregate classification (germline): Uncertain significance (1 of 4 stars; one submission).

Conditions:
Amyotrophic lateral sclerosis type 8 (ALS8). Identifiers: Orphanet 803, MedGen C1837728, MONDO:0012077, OMIM 608627.
Adult-onset proximal spinal muscular atrophy, autosomal dominant. Also called: FINKEL LATE-ADULT TYPE SMA; Spinal muscular atrophy, late-onset, finkel type. Identifiers: Orphanet 209335, MedGen C1854058, MONDO:0008453, OMIM 182980.

Allele frequency attached by ClinVar (database versions not stated): TOPMed 0.00001.

Submission:

Labcorp Genetics (formerly Invitae), Labcorp
Classification: Uncertain significance for Adult-onset proximal spinal muscular atrophy, autosomal dominant; Amyotrophic lateral sclerosis type 8. Last evaluated: 2019-07-07. Review status: criteria provided, single submitter. Criteria: Invitae Variant Classification Sherloc (09022015). Collection method: clinical testing. Allele origin: germline.
Comment: In summary, the available evidence is currently insufficient to determine the role of this variant in disease. Therefore, it has been classified as a Variant of Uncertain Significance. This variant has been reported to affect VAPB protein function (PMID: 20377183). This variant has not been reported in the literature in individuals with VAPB-related conditions. This variant is not present in population databases (ExAC no frequency). This sequence change replaces proline with serine at codon 12 of the VAPB protein (p.Pro12Ser). The proline residue is moderately conserved and there is a moderate physicochemical difference between proline and serine.

Literature cited by the submitters: PubMed 20377183.